The following is an entry in ClinVar:

ClinVar aggregate classification (germline): Likely pathogenic (1 of 4 stars; one submission).

Submission:

Mayo Clinic Laboratories, Mayo Clinic
Classification: Likely pathogenic. Last evaluated: 2021-05-28. Review status: criteria provided, single submitter. Criteria: ACMG Guidelines, 2015. Collection method: clinical testing. Allele origin: germline.
Comment: PVS1_strong, PM2

NM_000214.3(JAG1):c.387+1G>T

Gene: JAG1 (jagged canonical Notch ligand 1; minus strand). Cytogenetic location: 20p12.2.
Variant type: single nucleotide variant.
Coding change: c.387+1G>T on transcript NM_000214.3 (MANE Select); the canonical splice donor site of the intron after coding-DNA position 387, G replaced by T.
Molecular consequence: splice donor variant.
Genome position (GRCh38, 1-based): chr20:10,672,700, C>A on the plus strand (G>T on the coding strand, the complement: JAG1 is on the minus strand). VCF-style: chr20-10672700-C-A. GRCh37 (hg19) VCF-style: chr20-10653348-C-A.
Identifiers: ClinVar variation 2446884 (VCV002446884.2), dbSNP rs2514537639, ClinGen allele CA408242285.